The following is an entry in ClinVar:

NC_000019.9:g.(?_3110127)_(3121177_?)dup

Gene: GNA11 (G protein subunit alpha 11; plus strand). Cytogenetic location: 19p13.3.
Variant type: Duplication.
Identifiers: ClinVar variation 3242672 (VCV003242672.1).

ClinVar aggregate classification (germline): Uncertain significance (1 of 4 stars; one submission).

Submission:

Labcorp Genetics (formerly Invitae), Labcorp
Classification: Uncertain significance. Last evaluated: 2024-01-02. Review status: criteria provided, single submitter. Criteria: Invitae Variant Classification Sherloc (09022015). Collection method: clinical testing. Allele origin: unknown.
Comment: This variant results in a copy number gain of the genomic region encompassing exon(s) 2-7 of the GNA11 gene. This region includes the termination codon of the gene. This copy number gain extends beyond the assayed region for this gene and therefore may encompass additional genes. As the precise location of this event is unknown, it may be in tandem or it may be located elsewhere in the genome. This variant has not been reported in the literature in individuals affected with GNA11-related conditions. In summary, the available evidence is currently insufficient to determine the role of this variant in disease. Therefore, it has been classified as a Variant of Uncertain Significance.